The following is an entry in ClinVar:

NM_003742.4(ABCB11):c.3586C>T (p.Gln1196Ter)

Gene: ABCB11 (ATP binding cassette subfamily B member 11; minus strand). Cytogenetic location: 2q31.1.
Variant type: single nucleotide variant.
Coding change: c.3586C>T on transcript NM_003742.4 (MANE Select); coding-DNA position 3586, C replaced by T.
Protein change: p.Gln1196Ter; replaces glutamine 1196 with a stop codon.
Molecular consequence: nonsense.
Genome position (GRCh38, 1-based): chr2:168,927,188, G>A on the plus strand (C>T on the coding strand, the complement: ABCB11 is on the minus strand). VCF-style: chr2-168927188-G-A. GRCh37 (hg19) VCF-style: chr2-169783698-G-A.
Other names: short protein forms Q1196*.
Identifiers: ClinVar variation 3241137 (VCV003241137.2), dbSNP rs2545236621.
Genomic context (GRCh38, chr2:168,927,188, plus strand): 5'-TAGGGAATGGCTCTGACTTCGTACTCACCTCTGGGAGTGACATGACAAAATCATGCAGCT[G>A]AGCCTGTTTTGCAGCTGCTATGACTCTTTCCATGGGAATTTCTTTGGTGTTGTCTCCATA-3'

ClinVar aggregate classification (germline): Pathogenic. Review status: criteria provided, multiple submitters, no conflicts (2 of 4 stars). 2 submissions from 2 submitters: Pathogenic (2). Last evaluated 2026-04-14.

Conditions:
Benign recurrent intrahepatic cholestasis type 2 (BRIC2). Also called: Recurrent familial intrahepatic cholestasis 2. Identifiers: Orphanet 65682, Orphanet 99961, MedGen C2608083, MONDO:0011559, OMIM 605479.
Familial intrahepatic cholestasis. Identifiers: Orphanet 284385, MedGen CN296401, MONDO:0017290.

Submissions (2):

Genomenon, Inc
Classification: Pathogenic for Familial intrahepatic cholestasis. Last evaluated: 2026-04-14. Review status: criteria provided, single submitter. Criteria: Genomenon Sequence Variant Interpretation Standards - Updated. Collection method: curation. Allele origin: germline. Affected: yes.
Comment: ABCB11 p.Gln1196Ter (c.3586C>T) is a nonsense variant that introduces a premature stop codon at amino acid position 1196, creating a truncated protein that is predicted to undergo nonsense-mediated mRNA decay. This variant has been observed in at least one proband with an ABCB11-related disorder (PMID:28733223). It is absent or not present at a significant frequency in gnomAD. In conclusion, we classify ABCB11 p.Gln1196Ter (c.3586C>T) as a pathogenic variant.

Baylor Genetics
Classification: Pathogenic for Benign recurrent intrahepatic cholestasis type 2. Last evaluated: 2023-11-15. Review status: criteria provided, single submitter. Criteria: ACMG Guidelines, 2015. Collection method: clinical testing. Allele origin: unknown.

Literature cited by the submitters: PubMed 28733223 (cited by Genomenon, Inc).